The following is an entry in ClinVar:

NM_015041.3(CLUAP1):c.319G>T (p.Ala107Ser)

Gene: CLUAP1 (clusterin associated protein 1; plus strand). Cytogenetic location: 16p13.3.
Variant type: single nucleotide variant.
Coding change: c.319G>T on transcript NM_015041.3 (MANE Select); coding-DNA position 319, G replaced by T.
Protein change: p.Ala107Ser; replaces alanine 107 with serine.
Molecular consequence: missense variant.
Genome position (GRCh38, 1-based): chr16:3,508,388, G>T. VCF-style: chr16-3508388-G-T. GRCh37 (hg19) VCF-style: chr16-3558388-G-T.
Other names: c.319G>T, p.Ala107Ser (NM_001330454.2); short protein forms A107S.
Identifiers: ClinVar variation 2015148 (VCV002015148.4), dbSNP rs2543932184, ClinGen allele CA394512335.

ClinVar aggregate classification (germline): Uncertain significance (1 of 4 stars; one submission).

Submission:

Labcorp Genetics (formerly Invitae), Labcorp
Classification: Uncertain significance. Last evaluated: 2022-07-08. Review status: criteria provided, single submitter. Criteria: Invitae Variant Classification Sherloc (09022015). Collection method: clinical testing. Allele origin: germline.
Comment: This variant is not present in population databases (gnomAD no frequency). This sequence change replaces alanine, which is neutral and non-polar, with serine, which is neutral and polar, at codon 107 of the CLUAP1 protein (p.Ala107Ser). This variant has not been reported in the literature in individuals affected with CLUAP1-related conditions. Algorithms developed to predict the effect of missense changes on protein structure and function are either unavailable or do not agree on the potential impact of this missense change (SIFT: "Tolerated"; PolyPhen-2: "Probably Damaging"; Align-GVGD: "Class C0"). In summary, the available evidence is currently insufficient to determine the role of this variant in disease. Therefore, it has been classified as a Variant of Uncertain Significance.